The following is an entry in ClinVar:

NM_000218.3(KCNQ1):c.940G>A (p.Gly314Ser)

Gene: KCNQ1 (potassium voltage-gated channel subfamily Q member 1; plus strand). Cytogenetic location: 11p15.5.
Variant type: single nucleotide variant.
Coding change: c.940G>A on transcript NM_000218.3 (MANE Select); coding-DNA position 940, G replaced by A.
Protein change: p.Gly314Ser; replaces glycine 314 with serine.
Molecular consequence: missense variant.
Genome position (GRCh38, 1-based): chr11:2,583,453, G>A. VCF-style: chr11-2583453-G-A. GRCh37 (hg19) VCF-style: chr11-2604683-G-A.
Other names: p.G314S:GGC>AGC; c.940G>A (LRG_287t1); c.940G>A, p.Gly314Ser (NM_001406836.1); c.670G>A, p.Gly224Ser (NM_001406837.1); c.496G>A, p.Gly166Ser (NM_001406838.1); c.559G>A, p.Gly187Ser (NM_181798.2); short protein forms G314S, G187S, G166S, G224S.
Identifiers: ClinVar variation 3123 (VCV000003123.24), dbSNP rs120074184, ClinGen allele CA008773.

ClinVar aggregate classification (germline): Pathogenic. Review status: criteria provided, multiple submitters, no conflicts (2 of 4 stars). 13 submissions from 13 submitters: Pathogenic (11). 2 of the submissions do not count toward it. Last evaluated 2025-09-27.

Conditions:
KCNQ1-related disorder. Also called: KCNQ1-related disorders; KCNQ1-related condition. Identifiers: MedGen CN239322.
Cardiovascular phenotype. Identifiers: MedGen CN230736.
Familial long QT syndrome (RWS). Also called: Romano-Ward syndrome; VENTRICULAR FIBRILLATION WITH PROLONGED QT INTERVAL; Congenital long QT syndrome. Identifiers: Orphanet 768, MedGen C1141890, MONDO:0019171.
Long QT syndrome (LQTS). Identifiers: MedGen C0023976, MeSH D008133, MONDO:0002442. Disease mechanism: loss of function. Inheritance: Various modes of inheritance.
Long QT syndrome 1 (LQT1). Identifiers: Orphanet 101016, Orphanet 768, MedGen C4551647, MONDO:0100316, OMIM 192500, MONDO:0008646.

Submissions 1 to 8 of 13:

Labcorp Genetics (formerly Invitae), Labcorp
Classification: Pathogenic for Long QT syndrome. Last evaluated: 2025-09-27. Review status: criteria provided, single submitter. Criteria: Invitae Variant Classification Sherloc (09022015). Collection method: clinical testing. Allele origin: germline.
Comment: This sequence change replaces glycine, which is neutral and non-polar, with serine, which is neutral and polar, at codon 314 of the KCNQ1 protein (p.Gly314Ser). This variant is not present in population databases (gnomAD no frequency). This missense change has been observed in individuals with long QT syndrome (PMID: 8872472, 9799083, 16922724, 22727609, 22949429). This variant is also known as G185S. ClinVar contains an entry for this variant (Variation ID: 3123). Invitae Evidence Modeling of protein sequence and biophysical properties (such as structural, functional, and spatial information, amino acid conservation, physicochemical variation, residue mobility, and thermodynamic stability) indicates that this missense variant is expected to disrupt KCNQ1 protein function with a positive predictive value of 95%. Experimental studies have shown that this missense change affects KCNQ1 function (PMID: 9312006, 15051636, 19348785). For these reasons, this variant has been classified as Pathogenic.

Ambry Genetics
Classification: Pathogenic for Cardiovascular phenotype. Last evaluated: 2025-03-30. Review status: criteria provided, single submitter. Criteria: Ambry Variant Classification Scheme 2023. Collection method: clinical testing. Allele origin: germline.
Comment: The p.G314S pathogenic mutation (also known as c.940G>A), located in coding exon 7 of the KCNQ1 gene, results from a G to A substitution at nucleotide position 940. The glycine at codon 314 is replaced by serine, an amino acid with similar properties. This alteration impacts the highly conserved ion selectivity filter (TIGYGD) located between transmembrane helices S5 and S6. This variant was identified in one or more individuals with features consistent with long QT syndrome (LQTS) and segregated with disease in at least one family (Russell MW et al. Hum. Mol. Genet. 1996;5:1319-24; Donger C et al. Circulation. 1997;96:2778-81; Kobori A et al. J. Cardiovasc. Electrophysiol. 2004;15:190-9; Kapa S et al. Circulation. 2009;120:1752-60; Hofman N et al. Neth Heart J. 2011;19:10-16). In assays testing KCNQ1 function, this variant showed a functionally abnormal result (Chouabe C et al. EMBO J. 1997;16:5472-9; Westenskow P et al. Circulation. 2004;109:1834-41). In addition, internal structural analysis indicates that this variant disrupts the ion channel pore and is expected to eliminate the K+ selectivity of the K+ channel (Tao X et al. Science. 2009;326(5960):1668-74; Whorton MR and MacKinnon R. Cell. 2011;147(1):199-208; Ambry internal data). This amino acid position is highly conserved in available vertebrate species. In addition, this alteration is predicted to be deleterious by in silico analysis. This variant is considered to be rare based on population cohorts in the Genome Aggregation Database (gnomAD). Based on the supporting evidence, this alteration is interpreted as a disease-causing mutation.

Blueprint Genetics
Classification: Pathogenic for KCNQ1-related disorders. Last evaluated: 2024-08-14. Review status: criteria provided, single submitter. Criteria: ACMG Guidelines, 2015. Collection method: clinical testing. Allele origin: germline. Affected: yes. Observed: 5 variant alleles.

GeneDx
Classification: Pathogenic. Last evaluated: 2024-03-04. Review status: criteria provided, single submitter. Criteria: GeneDx Variant Classification Process June 2021. Collection method: clinical testing. Allele origin: germline. Affected: yes.
Comment: Not observed at significant frequency in large population cohorts (gnomAD); In silico analysis supports that this missense variant has a deleterious effect on protein structure/function; Published functional studies demonstrate a damaging effect as it failed to produce functional homomeric channels, and reduced the K+ current when co-expressed with the wild-type subunit (PMID: 30571187, 9312006); This variant is associated with the following publications: (PMID: 10973849, 25554238, 9799083, 34505893, 34860437, 32048431, 22949429, 9312006, 9693036, 15234419, 15840476, 16038262, 17470695, 19348785, 19716085, 27041150, 27251404, 27041096, 15051636, 9386136, 8872472, 10220144, 12566525, 15028050, 16922724, 19841300, 22581653, 31737537, 32797034, 31493592, 30571187)

Dept of Medical Biology, Uskudar University
Classification: Pathogenic for Long QT syndrome. Last evaluated: 2024-01-08. Review status: criteria provided, single submitter. Criteria: Dept of Medical Biology Variant Classification. Collection method: research. Allele origin: de novo. Affected: yes. Observed: 1 variant allele.
Comment: Criteria: PS2_Moderate, PS3_Moderate, PM1, PM2, PP1_Strong, PP3

Johns Hopkins Genomics, Johns Hopkins University
Classification: Pathogenic for Long QT syndrome 1. Last evaluated: 2024-01-03. Review status: criteria provided, single submitter. Criteria: ACMG Guidelines, 2015. Collection method: clinical testing. Allele origin: germline.

ARUP Laboratories, Molecular Genetics and Genomics, ARUP Laboratories
Classification: Pathogenic. Last evaluated: 2023-12-11. Review status: criteria provided, single submitter. Criteria: ARUP Molecular Germline Variant Investigation Process 2024. Collection method: clinical testing. Allele origin: germline.
Comment: The KCNQ1 c.940G>A; p.Gly314Ser variant (rs120074184, ClinVar Variation ID: 189773), is reported in the literature in multiple individuals affected with Long QT syndrome (Akgun-Dogan 2022, Giudicessi 2012). This variant is absent from the Genome Aggregation Database (v2.1.1), indicating it is not a common polymorphism. Functional analyses of the variant protein show significantly reduced current density (Chouabe 1997, Westenskow 2004). Computational analyses predict that this variant is deleterious (REVEL: 0.969). Based on available information, this variant is considered to be pathogenic. REFERENCES Akgun-Dogan O et al. Mutational spectrum of congenital long QT syndrome in Turkey; identification of 12 novel mutations across KCNQ1, KCNH2, SCN5A, KCNJ2, CACNA1C, and CALM1. J Cardiovasc Electrophysiol. 2022 Feb;33(2):262-273. PMID: 34860437. Chouabe C et al. Properties of KvLQT1 K+ channel mutations in Romano-Ward and Jervell and Lange-Nielsen inherited cardiac arrhythmias. EMBO J. 1997 Sep 1;16(17):5472-9. PMID: 9312006. Giudicessi JR et al. Phylogenetic and physicochemical analyses enhance the classification of rare nonsynonymous single nucleotide variants in type 1 and 2 long-QT syndrome. Circ Cardiovasc Genet. 2012 Oct 1;5(5):519-28. PMID: 22949429. Westenskow P et al. Compound mutations: a common cause of severe long-QT syndrome. Circulation. 2004 Apr 20;109(15):1834-41. PMID: 15051636.

Molecular Genetics Laboratory - Cardiogenetics, CHU de Nantes
Classification: Pathogenic for Long QT syndrome 1. Last evaluated: 2023-08-01. Review status: criteria provided, single submitter. Criteria: ACMG Guidelines, 2015. Collection method: clinical testing. Allele origin: germline. Affected: yes.